The following is an entry in ClinVar:

NM_001377530.1(DMBT1):c.7071C>G (p.Thr2357=)

Genes: DMBT1 (deleted in malignant brain tumors 1; plus strand), LOC126861068 (BRD4-independent group 4 enhancer GRCh37_chr10:124398858-124400057; plus strand). Cytogenetic location: 10q26.13.
Variant type: single nucleotide variant.
Coding change: c.7071C>G on transcript NM_001377530.1 (MANE Select); coding-DNA position 7071, C replaced by G.
Protein change: p.Thr2357=; no amino-acid change (threonine 2357 retained).
Molecular consequence: synonymous variant.
Genome position (GRCh38, 1-based): chr10:122,640,168, C>G. VCF-style: chr10-122640168-C-G. GRCh37 (hg19) VCF-style: chr10-124399684-C-G.
Other names: c.6681C>G, p.Thr2227= (NM_001320644.2); c.4800C>G, p.Thr1600= (NM_004406.3); c.6684C>G, p.Thr2228= (NM_007329.3); c.6654C>G, p.Thr2218= (NM_017579.3).
Identifiers: ClinVar variation 2640941 (VCV002640941.24), dbSNP rs763949424, ClinGen allele CA5728436.

ClinVar aggregate classification (germline): Likely benign (1 of 4 stars; one submission).

Allele frequency attached by ClinVar (database versions not stated): gnomAD 0.00002; gnomAD exomes 0.00002; TOPMed 0.00002; ExAC 0.00005.
gnomAD v4.1: 28 of 1,613,958 alleles (0.0017%); highest among the groups gnomAD compares: Non-Finnish European, 0.0023%; no homozygotes.

Submission:

CeGaT Center for Human Genetics Tuebingen
Classification: Likely benign. Last evaluated: 2022-09-01. Review status: criteria provided, single submitter. Criteria: CeGaT Center For Human Genetics Tuebingen Variant Classification Criteria Version 2. Collection method: clinical testing. Allele origin: germline. Affected: yes. Observed: 1 variant allele.
Comment: DMBT1: BP4, BP7